The following is an entry in ClinVar:

ClinVar aggregate classification (germline): Uncertain significance (1 of 4 stars; one submission).

Conditions:
Neurofibromatosis, type 2 (SWNV). Also called: NF2-Related Schwannomatosis; SCHWANNOMATOSIS, VESTIBULAR; BILATERAL ACOUSTIC NEUROFIBROMATOSIS. Identifiers: Orphanet 637, MedGen C0027832, MONDO:0007039, OMIM 101000. Disease mechanism: loss of function.

Submission:

Labcorp Genetics (formerly Invitae), Labcorp
Classification: Uncertain significance for Neurofibromatosis, type 2. Last evaluated: 2022-10-03. Review status: criteria provided, single submitter. Criteria: Invitae Variant Classification Sherloc (09022015). Collection method: clinical testing. Allele origin: germline.
Comment: In summary, the available evidence is currently insufficient to determine the role of this variant in disease. Therefore, it has been classified as a Variant of Uncertain Significance. Advanced modeling of protein sequence and biophysical properties (such as structural, functional, and spatial information, amino acid conservation, physicochemical variation, residue mobility, and thermodynamic stability) performed at Invitae indicates that this missense variant is not expected to disrupt NF2 protein function. This variant has not been reported in the literature in individuals affected with NF2-related conditions. This variant is not present in population databases (gnomAD no frequency). This sequence change replaces lysine, which is basic and polar, with arginine, which is basic and polar, at codon 478 of the NF2 protein (p.Lys478Arg).

NM_000268.4(NF2):c.1433A>G (p.Lys478Arg)

Gene: NF2 (NF2, moesin-ezrin-radixin like (MERLIN) tumor suppressor; plus strand). Cytogenetic location: 22q12.2.
Variant type: single nucleotide variant.
Coding change: c.1433A>G on transcript NM_000268.4 (MANE Select); coding-DNA position 1433, A replaced by G.
Protein change: p.Lys478Arg; replaces lysine 478 with arginine.
Molecular consequence: missense variant. On other transcripts: non-coding transcript variant (1), intron variant (1).
Genome position (GRCh38, 1-based): chr22:29,674,928, A>G. VCF-style: chr22-29674928-A-G. GRCh37 (hg19) VCF-style: chr22-30070917-A-G.
Other names: c.1319A>G, p.Lys440Arg (NM_001407053.1, NM_001407056.1); c.1310A>G, p.Lys437Arg (NM_001407054.1, NM_001407058.1, NM_181829.3); c.1307A>G, p.Lys436Arg (NM_001407055.1, NM_181828.3); c.1298A>G, p.Lys433Arg (NM_001407057.1, NM_001407059.1); c.1433A>G, p.Lys478Arg (NM_001407060.1, NM_001407066.1, NM_016418.5 and 2 more transcripts); c.1175A>G, p.Lys392Arg (NM_001407062.1); c.1184A>G, p.Lys395Arg (NM_001407063.1, NM_001407064.1, NM_181830.3 and 1 more transcripts); c.899A>G, p.Lys300Arg (NM_001407065.1); and 2 more; short protein forms K395R, K436R, K440R, K478R, K401R, K300R, K392R, K433R.
Identifiers: ClinVar variation 1903628 (VCV001903628.5), dbSNP rs2147093707, ClinGen allele CA411149189.